The following is an entry in ClinVar:

ClinVar aggregate classification (germline): Uncertain significance (1 of 4 stars; one submission).

Conditions:
Combined immunodeficiency due to OX40 deficiency. Also called: Immunodeficiency 16; OX40 DEFICIENCY. Identifiers: Orphanet 431149, MedGen C3810053, MONDO:0014268, OMIM 615593.

Submission:

Labcorp Genetics (formerly Invitae), Labcorp
Classification: Uncertain significance for Combined immunodeficiency due to OX40 deficiency. Last evaluated: 2022-03-05. Review status: criteria provided, single submitter. Criteria: Invitae Variant Classification Sherloc (09022015). Collection method: clinical testing. Allele origin: germline.
Comment: In summary, the available evidence is currently insufficient to determine the role of this variant in disease. Therefore, it has been classified as a Variant of Uncertain Significance. This sequence change affects a donor splice site in intron 3 of the TNFRSF4 gene. It is expected to disrupt RNA splicing. Variants that disrupt the donor or acceptor splice site typically lead to a loss of protein function (PMID: 16199547), however the current clinical and genetic evidence is not sufficient to establish whether loss-of-function variants in TNFRSF4 cause disease. This variant is not present in population databases (gnomAD no frequency). This variant has not been reported in the literature in individuals affected with TNFRSF4-related conditions. Algorithms developed to predict the effect of sequence changes on RNA splicing suggest that this variant may disrupt the consensus splice site.

Literature cited by the submitters: PubMed 16199547.

NM_003327.4(TNFRSF4):c.370+2T>C

Gene: TNFRSF4 (TNF receptor superfamily member 4; minus strand). Cytogenetic location: 1p36.33.
Variant type: single nucleotide variant.
Coding change: c.370+2T>C on transcript NM_003327.4 (MANE Select); the canonical splice donor site of the intron after coding-DNA position 370, T replaced by C.
Molecular consequence: splice donor variant.
Genome position (GRCh38, 1-based): chr1:1,212,990, A>G on the plus strand (T>C on the coding strand, the complement: TNFRSF4 is on the minus strand). VCF-style: chr1-1212990-A-G. GRCh37 (hg19) VCF-style: chr1-1148370-A-G.
Other names: c.370+2T>C (NM_001410709.1).
Identifiers: ClinVar variation 2107151 (VCV002107151.4), dbSNP rs2521769999, ClinGen allele CA337801285.